The following is an entry in ClinVar:

ClinVar aggregate classification (germline): Uncertain significance (1 of 4 stars; one submission).

Conditions:
Inborn genetic diseases. Identifiers: MedGen C0950123, MeSH D030342.

Submission:

Ambry Genetics
Classification: Uncertain significance for Inborn genetic diseases. Last evaluated: 2024-12-16. Review status: criteria provided, single submitter. Criteria: Ambry Variant Classification Scheme 2023. Collection method: clinical testing. Allele origin: germline.
Comment: The p.V1364F variant (also known as c.4090G>T), located in coding exon 13 of the ASXL1 gene, results from a G to T substitution at nucleotide position 4090. The valine at codon 1364 is replaced by phenylalanine, an amino acid with highly similar properties. This amino acid position is conserved. In addition, this alteration is predicted to be tolerated by in silico analysis. Based on the available evidence, the clinical significance of this variant remains unclear.

NM_015338.6(ASXL1):c.4090G>T (p.Val1364Phe)

Gene: ASXL1 (ASXL transcriptional regulator 1; plus strand). Cytogenetic location: 20q11.21.
Variant type: single nucleotide variant.
Coding change: c.4090G>T on transcript NM_015338.6 (MANE Select); coding-DNA position 4090, G replaced by T.
Protein change: p.Val1364Phe; replaces valine 1364 with phenylalanine.
Molecular consequence: missense variant.
Genome position (GRCh38, 1-based): chr20:32,436,802, G>T. VCF-style: chr20-32436802-G-T. GRCh37 (hg19) VCF-style: chr20-31024605-G-T.
Other names: c.3907G>T, p.Val1303Phe (NM_001363734.1); short protein forms V1303F, V1364F.
Identifiers: ClinVar variation 3791447 (VCV003791447.1).